The following is an entry in ClinVar:

NM_058216.3(RAD51C):c.235T>A (p.Ser79Thr)

Gene: RAD51C (RAD51 paralog C; plus strand). Cytogenetic location: 17q22.
Variant type: single nucleotide variant.
Coding change: c.235T>A on transcript NM_058216.3 (MANE Select); coding-DNA position 235, T replaced by A.
Protein change: p.Ser79Thr; replaces serine 79 with threonine.
Molecular consequence: missense variant. On other transcripts: non-coding transcript variant (2).
Genome position (GRCh38, 1-based): chr17:58,695,020, T>A. VCF-style: chr17-58695020-T-A. GRCh37 (hg19) VCF-style: chr17-56772381-T-A.
Other names: c.235T>A, p.Ser79Thr (NM_002876.4); short protein forms S79T.
Identifiers: ClinVar variation 629223 (VCV000629223.17), dbSNP rs1567786001, ClinGen allele CA400340253.
Genomic context (GRCh38, chr17:58,695,020, plus strand): 5'-GAAACTCTGCAAATTATCAGAAGAGAATGTCTCACAAATAAACCAAGATATGCTGGTACA[T>A]CTGAGTCACACAAGAAGTGTACAGCACTGGAACTTCTTGAGCAGGAGCATACCCAGGGCT-3'
Protein context (NP_478123.1, residues 69-89): LTNKPRYAGT[Ser79Thr]ESHKKCTALE

ClinVar aggregate classification (germline): Conflicting classifications of pathogenicity. Review status: criteria provided, conflicting classifications (1 of 4 stars). 3 submissions from 3 submitters: Uncertain significance (2); Benign (1). Last evaluated 2025-10-17.

Conditions:
Hereditary cancer-predisposing syndrome. Also called: Tumor predisposition; Neoplastic Syndromes, Hereditary; Hereditary Cancer Syndrome; Hereditary neoplastic syndrome. Identifiers: Orphanet 140162, MedGen C0027672, MeSH D009386, MONDO:0015356.
Fanconi anemia complementation group O. Also called: RAD51C-Related Fanconi Anemia. Identifiers: Orphanet 84, MedGen C3150653, MONDO:0013248, OMIM 613390.

Allele frequency attached by ClinVar (database versions not stated): gnomAD exomes below 0.00001.
gnomAD v4.1: 1 of 1,614,088 alleles (0.000062%); highest among the groups gnomAD compares: Non-Finnish European, 0.000085%; no homozygotes.

Submissions (3):

Ambry Genetics
Classification: Benign for Hereditary cancer-predisposing syndrome. Last evaluated: 2025-10-17. Review status: criteria provided, single submitter. Criteria: Ambry Variant Classification Scheme 2023. Collection method: clinical testing. Allele origin: germline.

Color Diagnostics, LLC DBA Color Health
Classification: Uncertain significance for Hereditary cancer-predisposing syndrome. Last evaluated: 2023-12-05. Review status: criteria provided, single submitter. Criteria: ACMG Guidelines, 2015. Collection method: clinical testing. Allele origin: germline.
Comment: This missense variant replaces serine with threonine at codon 79 of the RAD51C protein. Computational prediction suggests that this variant may not impact protein structure and function (internally defined REVEL score threshold <= 0.5, PMID: 27666373). To our knowledge, functional studies have not been reported for this variant. This variant has not been reported in individuals affected with RAD51C-related disorders in the literature. This variant has not been identified in the general population by the Genome Aggregation Database (gnomAD). The available evidence is insufficient to determine the role of this variant in disease conclusively. Therefore, this variant is classified as a Variant of Uncertain Significance.

Labcorp Genetics (formerly Invitae), Labcorp
Classification: Uncertain significance for Fanconi anemia complementation group O. Last evaluated: 2023-07-19. Review status: criteria provided, single submitter. Criteria: Invitae Variant Classification Sherloc (09022015). Collection method: clinical testing. Allele origin: germline.
Comment: In summary, the available evidence is currently insufficient to determine the role of this variant in disease. Therefore, it has been classified as a Variant of Uncertain Significance. An algorithm developed to predict the effect of missense changes on protein structure and function (PolyPhen-2) suggests that this variant is likely to be tolerated. ClinVar contains an entry for this variant (Variation ID: 629223). This variant has not been reported in the literature in individuals affected with RAD51C-related conditions. This variant is not present in population databases (gnomAD no frequency). This sequence change replaces serine, which is neutral and polar, with threonine, which is neutral and polar, at codon 79 of the RAD51C protein (p.Ser79Thr).